The following is an entry in ClinVar:

ClinVar aggregate classification (germline): Pathogenic (1 of 4 stars; one submission).

Submission:

Labcorp Genetics (formerly Invitae), Labcorp
Classification: Pathogenic. Last evaluated: 2025-08-11. Review status: criteria provided, single submitter. Criteria: Invitae Variant Classification Sherloc (09022015). Collection method: clinical testing. Allele origin: germline.
Comment: This sequence change creates a premature translational stop signal (p.Arg19Glyfs*37) in the NTHL1 gene. It is expected to result in an absent or disrupted protein product. Loss-of-function variants in NTHL1 are known to be pathogenic (PMID: 25938944, 26559593). This variant is not present in population databases (gnomAD no frequency). This variant has not been reported in the literature in individuals affected with NTHL1-related conditions. For these reasons, this variant has been classified as Pathogenic.

Literature cited by the submitters: PubMed 25938944; PubMed 26559593.

NM_002528.7(NTHL1):c.31del (p.Arg11fs)

Gene: NTHL1 (nth like DNA glycosylase 1; minus strand). Cytogenetic location: 16p13.3.
Variant type: Deletion.
Coding change: c.31del on transcript NM_002528.7 (MANE Select); coding-DNA position 31, one base deleted (C; older notation c.31delC).
Protein change: p.Arg11fs; shifts the reading frame from arginine 11.
Molecular consequence: frameshift variant. On other transcripts: 5 prime UTR variant (1).
Genome position (GRCh38, 1-based): chr16:2,047,793, G deleted on the plus strand (C on the coding strand, the reverse complement: NTHL1 is on the minus strand); the first of 3 consecutive G bases (chr16:2,047,793-2,047,795); deleting any one gives the same sequence. VCF-style (leftmost placement, unchanged base first): chr16-2047792-CG-C. GRCh37 (hg19) VCF-style: chr16-2097793-CG-C.
Other names: c.31del, p.Arg11fs (NM_001318193.2); c.-148del (NM_001318194.2); short protein forms R11fs.
Identifiers: ClinVar variation 4724997 (VCV004724997.1).